The following is an entry in ClinVar:

ClinVar aggregate classification (germline): Benign/Likely benign. Review status: criteria provided, multiple submitters, no conflicts (2 of 4 stars). 7 submissions from 7 submitters: Benign (3); Likely benign (4). Last evaluated 2026-04-03.

Conditions:
Inborn genetic diseases. Identifiers: MedGen C0950123, MeSH D030342.
Early-infantile DEE. Also called: Ohtahara syndrome; Early infantile epileptic encephalopathy with suppression bursts; Early infantile epileptic encephalopathy. Identifiers: Orphanet 1934, MedGen C0393706, MONDO:0800491.
Developmental and epileptic encephalopathy, 5 (DEE5). Identifiers: Orphanet 3451, MedGen C3150731, MONDO:0013277, OMIM 613477.

Allele frequency attached by ClinVar (database versions not stated): gnomAD exomes 0.00006 and 0.00035; gnomAD 0.00008 and 0.00011; TOPMed 0.00017; 1000 Genomes Project 30x 0.00031; ExAC 0.00031; 1000 Genomes Project 0.00040.
gnomAD v4.1: 111 of 1,614,072 alleles (0.0069%); highest among the groups gnomAD compares: East Asian, 0.22%; 1 homozygote.

Submissions (7):

Women's Health and Genetics/Laboratory Corporation of America, LabCorp
Classification: Likely benign. Last evaluated: 2026-04-03. Review status: criteria provided, single submitter. Criteria: LabCorp Variant Classification Summary - May 2015. Collection method: clinical testing. Allele origin: germline.

Labcorp Genetics (formerly Invitae), Labcorp
Classification: Benign for Early-infantile DEE. Last evaluated: 2025-11-24. Review status: criteria provided, single submitter. Criteria: Invitae Variant Classification Sherloc (09022015). Collection method: clinical testing. Allele origin: germline.

CeGaT Center for Human Genetics Tuebingen
Classification: Likely benign. Last evaluated: 2025-05-01. Review status: criteria provided, single submitter. Criteria: CeGaT Center For Human Genetics Tuebingen Variant Classification Criteria Version 2. Collection method: clinical testing. Allele origin: germline. Affected: yes. Observed: 2 variant alleles.
Comment: SPTAN1: BP4, BP7

Blueprint Genetics
Classification: Likely benign. Last evaluated: 2024-09-03. Review status: criteria provided, single submitter. Criteria: ACMG Guidelines, 2015. Collection method: clinical testing. Allele origin: germline.

Genome-Nilou Lab
Classification: Benign for Developmental and epileptic encephalopathy, 5. Last evaluated: 2021-07-15. Review status: criteria provided, single submitter. Criteria: ACMG Guidelines, 2015. Collection method: clinical testing. Allele origin: germline. Affected: no.

GeneDx
Classification: Benign. Last evaluated: 2021-01-05. Review status: criteria provided, single submitter. Criteria: GeneDx Variant Classification Process June 2021. Collection method: clinical testing. Allele origin: germline. Affected: yes.

Ambry Genetics
Classification: Likely benign for Inborn genetic diseases. Last evaluated: 2017-07-27. Review status: criteria provided, single submitter. Criteria: Ambry Variant Classification Scheme 2023. Collection method: clinical testing. Allele origin: germline.

NM_001130438.3(SPTAN1):c.6081C>T (p.Asp2027=)

Gene: SPTAN1 (spectrin alpha, non-erythrocytic 1; plus strand). Cytogenetic location: 9q34.11.
Variant type: single nucleotide variant.
Coding change: c.6081C>T on transcript NM_001130438.3 (MANE Select); coding-DNA position 6081, C replaced by T.
Protein change: p.Asp2027=; no amino-acid change (aspartic acid 2027 retained).
Molecular consequence: synonymous variant.
Genome position (GRCh38, 1-based): chr9:128,625,780, C>T. VCF-style: chr9-128625780-C-T. GRCh37 (hg19) VCF-style: chr9-131388059-C-T.
Other names: c.6006C>T, p.Asp2002= (NM_001195532.2); c.6081C>T, p.Asp2027= (NM_001363759.2); c.6021C>T, p.Asp2007= (NM_001363765.2); c.6066C>T, p.Asp2022= (NM_003127.4).
Identifiers: ClinVar variation 365175 (VCV000365175.33), dbSNP rs150801649, ClinGen allele CA5265642.